The following is an entry in ClinVar:

NM_006734.4(HIVEP2):c.6907C>T (p.Arg2303Trp)

Gene: HIVEP2 (HIVEP zinc finger 2; minus strand). Cytogenetic location: 6q24.2.
Variant type: single nucleotide variant.
Coding change: c.6907C>T on transcript NM_006734.4 (MANE Select); coding-DNA position 6907, C replaced by T.
Protein change: p.Arg2303Trp; replaces arginine 2303 with tryptophan.
Molecular consequence: missense variant.
Genome position (GRCh38, 1-based): chr6:142,753,541, G>A on the plus strand (C>T on the coding strand, the complement: HIVEP2 is on the minus strand). VCF-style: chr6-142753541-G-A. GRCh37 (hg19) VCF-style: chr6-143074678-G-A.
Other names: short protein forms R2303W.
Identifiers: ClinVar variation 2872905 (VCV002872905.3), dbSNP rs2482732803, ClinGen allele CA365941479.

ClinVar aggregate classification (germline): Uncertain significance (1 of 4 stars; one submission).

Submission:

Labcorp Genetics (formerly Invitae), Labcorp
Classification: Uncertain significance. Last evaluated: 2023-05-11. Review status: criteria provided, single submitter. Criteria: Invitae Variant Classification Sherloc (09022015). Collection method: clinical testing. Allele origin: germline.
Comment: An algorithm developed to predict the effect of missense changes on protein structure and function (PolyPhen-2) suggests that this variant is likely to be disruptive. This variant has not been reported in the literature in individuals affected with HIVEP2-related conditions. This variant is not present in population databases (gnomAD no frequency). This sequence change replaces arginine, which is basic and polar, with tryptophan, which is neutral and slightly polar, at codon 2303 of the HIVEP2 protein (p.Arg2303Trp). In summary, the available evidence is currently insufficient to determine the role of this variant in disease. Therefore, it has been classified as a Variant of Uncertain Significance.